The following is an entry in ClinVar:

ClinVar aggregate classification (germline): Uncertain significance (1 of 4 stars; one submission).

Conditions:
Congenital myasthenic syndrome 12 (CMS12). Also called: Myasthenia, congenital, 12, with tubular aggregates; MYASTHENIC SYNDROME, CONGENITAL, WITH TUBULAR AGGREGATES 1. Identifiers: Orphanet 353327, Orphanet 590, MedGen C3552335, MONDO:0012518, OMIM 610542.

Submission:

Labcorp Genetics (formerly Invitae), Labcorp
Classification: Uncertain significance for Congenital myasthenic syndrome 12. Last evaluated: 2021-08-17. Review status: criteria provided, single submitter. Criteria: Invitae Variant Classification Sherloc (09022015). Collection method: clinical testing. Allele origin: germline.
Comment: In summary, the available evidence is currently insufficient to determine the role of this variant in disease. Therefore, it has been classified as a Variant of Uncertain Significance. This sequence change replaces arginine with glycine at codon 111 of the GFPT1 protein (p.Arg111Gly). The arginine residue is highly conserved and there is a moderate physicochemical difference between arginine and glycine. This variant is not present in population databases (ExAC no frequency). This variant disrupts the p.Arg111 amino acid residue in GFPT1. Other variant(s) that disrupt this residue have been determined to be pathogenic (PMID: 21310273, 23794683, 28712002). This suggests that this residue is clinically significant, and that variants that disrupt this residue are likely to be disease-causing. This variant has not been reported in the literature in individuals with GFPT1-related conditions.

Literature cited by the submitters: PubMed 21310273; PubMed 23794683; PubMed 28712002.

NM_001244710.2(GFPT1):c.330_331delinsAG (p.Arg111Gly)

Gene: GFPT1 (glutamine--fructose-6-phosphate transaminase 1; minus strand). Cytogenetic location: 2p13.3.
Variant type: Indel.
Coding change: c.330_331delinsAG on transcript NM_001244710.2 (MANE Select); coding-DNA positions 330 to 331, GC replaced by AG.
Protein change: p.Arg111Gly; replaces arginine 111 with glycine.
Molecular consequence: missense variant.
Genome position (GRCh38, 1-based): chr2:69,363,563-69,363,564, GC replaced by CT on the plus strand (GC replaced by AG on the coding strand, the reverse complement: GFPT1 is on the minus strand). VCF-style: chr2-69363563-GC-CT. GRCh37 (hg19) VCF-style: chr2-69590695-GC-CT.
Other names: c.330_331delinsAG, p.Arg111Gly (NM_002056.4); short protein forms R111G.
Identifiers: ClinVar variation 964739 (VCV000964739.8), dbSNP rs1671532532, ClinGen allele CA1139657063.